The following is an entry in ClinVar:

NC_000011.9:g.(?_108159694)_(108160538_?)del

Gene: ATM (ATM serine/threonine kinase; plus strand). Cytogenetic location: 11q22.3.
Variant type: Deletion.
Identifiers: ClinVar variation 2422217 (VCV002422217.4).

ClinVar aggregate classification (germline): Uncertain significance (1 of 4 stars; one submission).

Conditions:
Ataxia-telangiectasia syndrome (AT). Also called: Cerebello-oculocutaneous telangiectasia; Immunodeficiency with ataxia telangiectasia; Ataxia-telangiectasia; AT, COMPLEMENTATION GROUP C; Ataxia telangiectasia (A-T); LOUIS-BAR SYNDROME. Identifiers: Orphanet 100, MedGen C0004135, MONDO:0008840, OMIM 208900.

Submission:

Labcorp Genetics (formerly Invitae), Labcorp
Classification: Uncertain significance for Ataxia-telangiectasia syndrome. Last evaluated: 2023-11-20. Review status: criteria provided, single submitter. Criteria: Invitae Variant Classification Sherloc (09022015). Collection method: clinical testing. Allele origin: germline.
Comment: This variant is a gross deletion of the genomic region encompassing exon(s) 28-29 of the ATM gene. This variant would be expected to be in-frame, preserving the integrity of the reading frame. This variant has not been reported in the literature in individuals affected with ATM-related conditions. Experimental studies and prediction algorithms are not available or were not evaluated, and the functional significance of this variant is currently unknown. This variant disrupts a region of the ATM protein in which other variant(s) (p.Leu1465Pro) have been observed in individuals with ATM-related conditions (PMID: 10234507). This suggests that this is a clinically significant region of the protein, and that variants that disrupt it are likely to be disease-causing. In summary, the available evidence is currently insufficient to determine the role of this variant in disease. Therefore, it has been classified as a Variant of Uncertain Significance.

Literature cited by the submitters: PubMed 10234507.